The following is an entry in ClinVar:

NM_001379200.1(TBX1):c.1422CGC[5] (p.Ala485dup)

Gene: TBX1 (T-box transcription factor 1; plus strand). Cytogenetic location: 22q11.21.
Variant type: Microsatellite.
Coding change: c.1422CGC[5] on transcript NM_001379200.1 (MANE Select); five copies in a row of the 3-base unit CGC starting at c.1422; the reference has four copies in a row; one copy, 3 bases duplicated.
Protein change: p.Ala485dup; duplicates alanine 485.
Molecular consequence: inframe insertion. On other transcripts: intron variant (2).
Genome position (GRCh38, 1-based): chr22:19,766,783-19,766,785, CGC duplicated; duplicating any 3 consecutive bases within chr22:19,766,772-19,766,785 gives the same sequence; the position shown is the placement nearest the transcript's 3' end. VCF-style (leftmost placement, unchanged base first): chr22-19766771-G-GGCC. GRCh37 (hg19) VCF-style: chr22-19754294-G-GGCC.
Other names: c.1395CGC[5], p.Ala476dup (NM_080647.1); c.1009+770GCC[5] (NM_005992.1, NM_080646.2).
Identifiers: ClinVar variation 1508995 (VCV001508995.6), dbSNP rs756680878, ClinGen allele CA10102752.

ClinVar aggregate classification (germline): Uncertain significance (1 of 4 stars; one submission).

Conditions:
DiGeorge syndrome. Also called: THIRD AND FOURTH PHARYNGEAL POUCH SYNDROME; Catch22. Identifiers: Orphanet 567, MedGen C0012236, MONDO:0008564, OMIM 188400.

Submission:

Labcorp Genetics (formerly Invitae), Labcorp
Classification: Uncertain significance for DiGeorge syndrome. Last evaluated: 2024-02-24. Review status: criteria provided, single submitter. Criteria: Invitae Variant Classification Sherloc (09022015). Collection method: clinical testing. Allele origin: germline.
Comment: This variant, c.1404_1406dup, results in the insertion of 1 amino acid(s) of the TBX1 protein (p.Ala476dup), but otherwise preserves the integrity of the reading frame. This variant is present in population databases (rs756680878, gnomAD 0.01%). This variant has not been reported in the literature in individuals affected with TBX1-related conditions. Experimental studies and prediction algorithms are not available or were not evaluated, and the functional significance of this variant is currently unknown. In summary, the available evidence is currently insufficient to determine the role of this variant in disease. Therefore, it has been classified as a Variant of Uncertain Significance.